The following is an entry in ClinVar:

ClinVar aggregate classification (germline): Uncertain significance. Review status: criteria provided, multiple submitters, no conflicts (2 of 4 stars). 2 submissions from 2 submitters: Uncertain significance (2). Last evaluated 2022-06-10.

Conditions:
Hereditary cancer-predisposing syndrome. Also called: Hereditary Cancer Syndrome; Tumor predisposition; Hereditary neoplastic syndrome; Neoplastic Syndromes, Hereditary. Identifiers: Orphanet 140162, MedGen C0027672, MeSH D009386, MONDO:0015356.
Hereditary nonpolyposis colorectal neoplasms. Identifiers: MedGen C0009405, MeSH D003123.

Submissions (2):

Ambry Genetics
Classification: Uncertain significance for Hereditary cancer-predisposing syndrome. Last evaluated: 2022-06-10. Review status: criteria provided, single submitter. Criteria: Ambry Variant Classification Scheme 2023. Collection method: clinical testing. Allele origin: germline.
Comment: The p.R1304M variant (also known as c.3911G>T), located in coding exon 9 of the MSH6 gene, results from a G to T substitution at nucleotide position 3911. The arginine at codon 1304 is replaced by methionine, an amino acid with similar properties. This amino acid position is highly conserved in available vertebrate species. In addition, this alteration is predicted to be deleterious by in silico analysis. Since supporting evidence is limited at this time, the clinical significance of this alteration remains unclear.

Labcorp Genetics (formerly Invitae), Labcorp
Classification: Uncertain significance for Hereditary nonpolyposis colorectal neoplasms. Last evaluated: 2020-07-13. Review status: criteria provided, single submitter. Criteria: Invitae Variant Classification Sherloc (09022015). Collection method: clinical testing. Allele origin: germline.
Comment: This sequence change replaces arginine with methionine at codon 1304 of the MSH6 protein (p.Arg1304Met). The arginine residue is highly conserved and there is a moderate physicochemical difference between arginine and methionine. This variant is not present in population databases (ExAC no frequency). This variant has not been reported in the literature in individuals with MSH6-related conditions. Algorithms developed to predict the effect of missense changes on protein structure and function are either unavailable or do not agree on the potential impact of this missense change (SIFT: "Deleterious"; PolyPhen-2: "Possibly Damaging"; Align-GVGD: "Class C0"). In summary, the available evidence is currently insufficient to determine the role of this variant in disease. Therefore, it has been classified as a Variant of Uncertain Significance.

NM_000179.3(MSH6):c.3911G>T (p.Arg1304Met)

Gene: MSH6 (mutS homolog 6; plus strand). Cytogenetic location: 2p16.3.
Variant type: single nucleotide variant.
Coding change: c.3911G>T on transcript NM_000179.3 (MANE Select); coding-DNA position 3911, G replaced by T.
Protein change: p.Arg1304Met; replaces arginine 1304 with methionine.
Molecular consequence: missense variant.
Genome position (GRCh38, 1-based): chr2:47,806,561, G>T. VCF-style: chr2-47806561-G-T. GRCh37 (hg19) VCF-style: chr2-48033700-G-T.
Other names: c.3521G>T, p.Arg1174Met (NM_001281492.2); c.3005G>T, p.Arg1002Met (NM_001281493.2, NM_001281494.2); short protein forms R1304M, R1174M, R1002M.
Identifiers: ClinVar variation 1040426 (VCV001040426.11), dbSNP rs34625968, ClinGen allele CA346761442.